The following is an entry in ClinVar:

ClinVar aggregate classification (germline): Benign (1 of 4 stars; one submission).

Allele frequency attached by ClinVar (database versions not stated): TOPMed 0.16859; gnomAD 0.16873; 1000 Genomes Project 30x 0.19394; 1000 Genomes Project 0.19629.

Submission:

GeneDx
Classification: Benign. Last evaluated: 2018-06-19. Review status: criteria provided, single submitter. Criteria: GeneDx Variant Classification (06012015). Collection method: clinical testing. Allele origin: germline. Affected: yes.
Comment: This variant is considered likely benign or benign based on one or more of the following criteria: it is a conservative change, it occurs at a poorly conserved position in the protein, it is predicted to be benign by multiple in silico algorithms, and/or has population frequency not consistent with disease.

NM_000702.4(ATP1A2):c.177+305G>A

Gene: ATP1A2 (ATPase Na+/K+ transporting subunit alpha 2; plus strand). Cytogenetic location: 1q23.2.
Variant type: single nucleotide variant.
Coding change: c.177+305G>A on transcript NM_000702.4 (MANE Select); 305 bases into the intron after coding-DNA position 177, G replaced by A.
Molecular consequence: intron variant.
Genome position (GRCh38, 1-based): chr1:160,121,556, G>A. VCF-style: chr1-160121556-G-A. GRCh37 (hg19) VCF-style: chr1-160091346-G-A.
Identifiers: ClinVar variation 668975 (VCV000668975.1), dbSNP rs58313172, ClinGen allele CA15085705.